The following is an entry in ClinVar:

ClinVar aggregate classification (germline): Uncertain significance. Review status: criteria provided, multiple submitters, no conflicts (2 of 4 stars). 4 submissions from 4 submitters: Uncertain significance (4). Last evaluated 2024-12-10.

Conditions:
Nystagmus 1, congenital, X-linked. Also called: NYSTAGMUS, INFANTILE IDIOPATHIC; NYSTAGMUS 1, INFANTILE, X-LINKED; NYSTAGMUS, CONGENITAL MOTOR, 1; NYSTAGMUS, INFANTILE PERIODIC ALTERNATING, X-LINKED; FRMD7-Related Infantile Nystagmus. Identifiers: MedGen C1839580, MONDO:0010693, OMIM 310700.
Inborn genetic diseases. Identifiers: MedGen C0950123, MeSH D030342.

Allele frequency attached by ClinVar (database versions not stated): ExAC 0.00001; gnomAD exomes 0.00001; TOPMed 0.00001.
gnomAD v4.1: 6 of 1,156,508 alleles (0.00052%); highest among the groups gnomAD compares: Middle Eastern, 0.024%; no homozygotes.

Submissions (4):

Ambry Genetics
Classification: Uncertain significance for Inborn genetic diseases. Last evaluated: 2024-12-10. Review status: criteria provided, single submitter. Criteria: Ambry Variant Classification Scheme 2023. Collection method: clinical testing. Allele origin: germline.

Labcorp Genetics (formerly Invitae), Labcorp
Classification: Uncertain significance. Last evaluated: 2024-01-29. Review status: criteria provided, single submitter. Criteria: Invitae Variant Classification Sherloc (09022015). Collection method: clinical testing. Allele origin: germline.
Comment: This sequence change replaces lysine, which is basic and polar, with threonine, which is neutral and polar, at codon 103 of the FRMD7 protein (p.Lys103Thr). This variant is present in population databases (rs759784671, gnomAD 0.003%). This variant has not been reported in the literature in individuals affected with FRMD7-related conditions. ClinVar contains an entry for this variant (Variation ID: 914921). An algorithm developed to predict the effect of missense changes on protein structure and function (PolyPhen-2) suggests that this variant is likely to be disruptive. In summary, the available evidence is currently insufficient to determine the role of this variant in disease. Therefore, it has been classified as a Variant of Uncertain Significance.

Blueprint Genetics
Classification: Uncertain significance. Last evaluated: 2021-10-07. Review status: criteria provided, single submitter. Criteria: ACMG Guidelines, 2015. Collection method: clinical testing. Allele origin: germline.

Illumina Laboratory Services, Illumina
Classification: Uncertain significance for Nystagmus 1, congenital, X-linked. Last evaluated: 2018-01-12. Review status: criteria provided, single submitter. Criteria: ICSL Variant Classification Criteria 13 December 2019. Collection method: clinical testing. Allele origin: germline.

NM_194277.3(FRMD7):c.308A>C (p.Lys103Thr)

Gene: FRMD7 (FERM domain containing 7; minus strand). Cytogenetic location: Xq26.2.
Variant type: single nucleotide variant.
Coding change: c.308A>C on transcript NM_194277.3 (MANE Select); coding-DNA position 308, A replaced by C.
Protein change: p.Lys103Thr; replaces lysine 103 with threonine.
Molecular consequence: missense variant.
Genome position (GRCh38, 1-based): chrX:132,094,116, T>G on the plus strand (A>C on the coding strand, the complement: FRMD7 is on the minus strand). VCF-style: chrX-132094116-T-G. GRCh37 (hg19) VCF-style: chrX-131228144-T-G.
Other names: c.263A>C, p.Lys88Thr (NM_001306193.2); short protein forms K88T, K103T.
Identifiers: ClinVar variation 914921 (VCV000914921.14), dbSNP rs759784671, ClinGen allele CA10519077.